The following is an entry in ClinVar:

ClinVar aggregate classification (germline): Uncertain significance (1 of 4 stars; one submission).

Conditions:
ARID1B-Related Disorder. Identifiers: MedGen CN381337.

Submission:

PreventionGenetics, part of Exact Sciences
Classification: Uncertain significance for ARID1B-related condition. Last evaluated: 2025-08-12. Review status: criteria provided, single submitter. Criteria: ACMG Guidelines, 2015. Collection method: clinical testing. Allele origin: germline.
Comment: The ARID1B c.2803A>G variant is predicted to result in the amino acid substitution p.Met935Val. To our knowledge, this variant has not been reported in the literature. This variant is reported in 0.0054% of alleles in individuals of East Asian descent in gnomAD. At this time, the clinical significance of this variant is uncertain due to the absence of conclusive functional and genetic evidence.

NM_001374828.1(ARID1B):c.3013A>G (p.Met1005Val)

Gene: ARID1B (AT-rich interaction domain 1B; plus strand). Cytogenetic location: 6q25.3.
Variant type: single nucleotide variant.
Coding change: c.3013A>G on transcript NM_001374828.1 (MANE Select); coding-DNA position 3013, A replaced by G.
Protein change: p.Met1005Val; replaces methionine 1005 with valine.
Molecular consequence: missense variant.
Genome position (GRCh38, 1-based): chr6:157,148,875, A>G. VCF-style: chr6-157148875-A-G. GRCh37 (hg19) VCF-style: chr6-157470009-A-G.
Other names: c.2803A>G (NM_020732.3); c.514A>G, p.Met172Val (NM_001363725.2, NM_001438488.1); c.3052A>G, p.Met1018Val (NM_001371656.1, NM_001374820.1); c.3013A>G, p.Met1005Val (NM_001438482.1, NM_017519.3); c.3055A>G, p.Met1019Val (NM_001438483.1, NM_001438486.1); c.2923A>G, p.Met975Val (NM_001438485.1); c.2833A>G, p.Met945Val (NM_001438487.1); short protein forms M1018V, M1019V, M975V, M1005V, M172V, M945V.
Identifiers: ClinVar variation 4982800 (VCV004982800.1).